The following is an entry in ClinVar:

NM_005245.4(FAT1):c.10497ATC[1] (p.Ser3501del)

Gene: FAT1 (FAT atypical cadherin 1; minus strand). Cytogenetic location: 4q35.2.
Variant type: Microsatellite.
Coding change: c.10497ATC[1] on transcript NM_005245.4 (MANE Select); one copy of the 3-base unit ATC starting at c.10497; the reference has two copies in a row; one copy, 3 bases deleted.
Protein change: p.Ser3501del; deletes serine 3501.
Genome position (GRCh38, 1-based): chr4:186,604,423-186,604,425, GAT deleted on the plus strand (ATC on the coding strand, the reverse complement: FAT1 is on the minus strand); deleting any 3 consecutive bases within chr4:186,604,423-186,604,429 gives the same sequence; the position shown is the placement nearest the transcript's 3' end. VCF-style (leftmost placement, unchanged base first): chr4-186604422-AGAT-A. GRCh37 (hg19) VCF-style: chr4-187525576-AGAT-A.
Other names: short protein forms S3501del.
Identifiers: ClinVar variation 3061068 (VCV003061068.2), dbSNP rs2477357816, ClinGen allele CA2578250884.

ClinVar aggregate classification (germline): Uncertain significance (0 of 4 stars; one submission).

Conditions:
FAT1-related disorder. Also called: FAT1-related condition.

Submission:

PreventionGenetics, part of Exact Sciences
Classification: Uncertain significance for FAT1-related condition. Last evaluated: 2024-02-24. Review status: no assertion criteria provided. Collection method: clinical testing. Allele origin: germline.
Comment: The FAT1 c.10500_10502delATC variant is predicted to result in an in-frame deletion (p.Ser3501del). To our knowledge, this variant has not been reported in the literature or in a large population database, indicating this variant is rare. At this time, the clinical significance of this variant is uncertain due to the absence of conclusive functional and genetic evidence.